The following is an entry in ClinVar:

ClinVar aggregate classification (germline): Likely benign (1 of 4 stars; one submission).

Conditions:
Intellectual developmental disorder, autosomal dominant 22. Also called: Intellectual disability, autosomal dominant 22. Identifiers: MedGen CN029689, MONDO:0012869, OMIM 612337.

Submission:

Institute of Human Genetics, University of Leipzig Medical Center
Classification: Likely benign for Intellectual developmental disorder, autosomal dominant 22. Last evaluated: 2024-12-20. Review status: criteria provided, single submitter. Criteria: ACMG Guidelines, 2015. Collection method: clinical testing. Allele origin: maternal. Inheritance: Autosomal dominant inheritance. Affected: yes.
Comment: Criteria applied: PM2,PP2,PP3,BS2,BP5

NM_205768.3(ZBTB18):c.106A>G (p.Thr36Ala)

Gene: ZBTB18 (zinc finger and BTB domain containing 18; plus strand). Cytogenetic location: 1q44.
Variant type: single nucleotide variant.
Coding change: c.106A>G on transcript NM_205768.3 (MANE Select); coding-DNA position 106, A replaced by G.
Protein change: p.Thr36Ala; replaces threonine 36 with alanine.
Molecular consequence: missense variant.
Genome position (GRCh38, 1-based): chr1:244,053,880, A>G. VCF-style: chr1-244053880-A-G. GRCh37 (hg19) VCF-style: chr1-244217182-A-G.
Other names: c.79A>G, p.Thr27Ala (NM_001278196.2, NM_006352.5); c.106A>G, p.Thr36Ala (NM_001421566.1); short protein forms T27A, T36A.
Identifiers: ClinVar variation 4530593 (VCV004530593.1).